The following is an entry in ClinVar:

ClinVar aggregate classification (germline): Conflicting classifications of pathogenicity. Review status: criteria provided, conflicting classifications (1 of 4 stars). 4 submissions from 4 submitters: Pathogenic (1); Uncertain significance (3). Last evaluated 2025-07-13.

Conditions:
Very long chain acyl-CoA dehydrogenase deficiency (ACADVLD). Also called: Very Long-Chain Acyl-Coenzyme A Dehydrogenase Deficiency; VLCAD Deficiency. Identifiers: Orphanet 26793, MedGen C3887523, MONDO:0008723, OMIM 201475.

Allele frequency attached by ClinVar (database versions not stated): TOPMed below 0.00001; gnomAD 0.00001.
gnomAD v4.1: 4 of 1,613,984 alleles (0.00025%); highest among the groups gnomAD compares: African/African-American, 0.0013%; no homozygotes.

Submissions (4):

Labcorp Genetics (formerly Invitae), Labcorp
Classification: Pathogenic for Very long chain acyl-CoA dehydrogenase deficiency. Last evaluated: 2025-07-13. Review status: criteria provided, single submitter. Criteria: Invitae Variant Classification Sherloc (09022015). Collection method: clinical testing. Allele origin: germline.
Comment: This sequence change replaces cysteine, which is neutral and slightly polar, with tyrosine, which is neutral and polar, at codon 607 of the ACADVL protein (p.Cys607Tyr). This variant is present in population databases (no rsID available, gnomAD 0.01%). This missense change has been observed in individual(s) with very long-chain acyl-CoA dehydrogenase deficiency (internal data). ClinVar contains an entry for this variant (Variation ID: 235307). Invitae Evidence Modeling of protein sequence and biophysical properties (such as structural, functional, and spatial information, amino acid conservation, physicochemical variation, residue mobility, and thermodynamic stability) indicates that this missense variant is expected to disrupt ACADVL protein function with a positive predictive value of 80%. This variant disrupts the p.Cys607 amino acid residue in ACADVL. Other variant(s) that disrupt this residue have been determined to be pathogenic (PMID: 32778825; external communication, internal data). This suggests that this residue is clinically significant, and that variants that disrupt this residue are likely to be disease-causing. For these reasons, this variant has been classified as Pathogenic.

Revvity Omics, Revvity
Classification: Uncertain significance for Very long chain acyl-CoA dehydrogenase deficiency. Last evaluated: 2023-09-19. Review status: criteria provided, single submitter. Criteria: ACMG Guidelines, 2015. Collection method: clinical testing. Allele origin: germline.

Wong Mito Lab, Molecular and Human Genetics, Baylor College of Medicine
Classification: Uncertain significance for Very long chain acyl-CoA dehydrogenase deficiency. Last evaluated: 2019-11-01. Review status: criteria provided, single submitter. Criteria: ACMG Guidelines, 2015. Collection method: clinical testing. Allele origin: germline.
Comment: The NM_000018.3:c.1820G>A (NP_000009.1:p.Cys607Tyr) [GRCH38: NC_000017.11:g.7224877G>A] variant in ACADVL gene is interpretated to be Uncertain Significance based on ACMG guidelines (PMID: 25741868). This variant has been reported. This variant meets the following evidence codes reported in the ACMG guidelines: PP3

Center for Pediatric Genomic Medicine, Children's Mercy Hospital and Clinics
Classification: Uncertain significance. Last evaluated: 2015-05-14. Review status: criteria provided, single submitter. Criteria: ACMG Guidelines, 2015. Collection method: clinical testing. Allele origin: germline.
ClinVar note: Converted during submission from Uncertain Significance to Uncertain significance.

Literature cited by the submitters: PubMed 32778825 (cited by Labcorp Genetics (formerly Invitae), Labcorp).

NM_000018.4(ACADVL):c.1820G>A (p.Cys607Tyr)

Gene: ACADVL (acyl-CoA dehydrogenase very long chain; plus strand). Cytogenetic location: 17p13.1.
Variant type: single nucleotide variant.
Coding change: c.1820G>A on transcript NM_000018.4 (MANE Select); coding-DNA position 1820, G replaced by A.
Protein change: p.Cys607Tyr; replaces cysteine 607 with tyrosine.
Molecular consequence: missense variant.
Genome position (GRCh38, 1-based): chr17:7,224,877, G>A. VCF-style: chr17-7224877-G-A. GRCh37 (hg19) VCF-style: chr17-7128196-G-A.
Other names: c.1754G>A, p.Cys585Tyr (NM_001033859.3); c.1889G>A, p.Cys630Tyr (NM_001270447.2); c.1592G>A, p.Cys531Tyr (NM_001270448.2); short protein forms C607Y, C531Y, C585Y, C630Y.
Identifiers: ClinVar variation 235307 (VCV000235307.13), dbSNP rs200117742, ClinGen allele CA10581272.
Genomic context (GRCh38, chr17:7,224,877, plus strand): 5'-GATCCCTGAGTGAGGGCCACCCCACGGCCCAGCATGAGAAAATGCTCTGTGACACCTGGT[G>A]TATCGAGGTGAGACTCGGGGCTGCCAAGCTCAGGTGAGGGCTGGAGGTGCAGGCCCAACC-3'
Protein context (NP_000009.1, residues 597-617): QHEKMLCDTW[Cys607Tyr]IEAAARIREG